The following is an entry in ClinVar:

ClinVar aggregate classification (germline): Uncertain significance (1 of 4 stars; one submission).

Conditions:
Infantile spasms. Also called: Infantile spasm. Identifiers: MedGen C3887898, HP:0012469.

Submission:

Labcorp Genetics (formerly Invitae), Labcorp
Classification: Uncertain significance for Infantile spasms. Last evaluated: 2023-03-27. Review status: criteria provided, single submitter. Criteria: Invitae Variant Classification Sherloc (09022015). Collection method: clinical testing. Allele origin: germline.
Comment: This sequence change replaces leucine, which is neutral and non-polar, with serine, which is neutral and polar, at codon 253 of the PIK3AP1 protein (p.Leu253Ser). This variant is not present in population databases (gnomAD no frequency). This variant has not been reported in the literature in individuals affected with PIK3AP1-related conditions. An algorithm developed to predict the effect of missense changes on protein structure and function (PolyPhen-2) suggests that this variant is likely to be disruptive. In summary, the available evidence is currently insufficient to determine the role of this variant in disease. Therefore, it has been classified as a Variant of Uncertain Significance.

NM_152309.3(PIK3AP1):c.758T>C (p.Leu253Ser)

Gene: PIK3AP1 (phosphoinositide-3-kinase adaptor protein 1; minus strand). Cytogenetic location: 10q24.1.
Variant type: single nucleotide variant.
Coding change: c.758T>C on transcript NM_152309.3 (MANE Select); coding-DNA position 758, T replaced by C.
Protein change: p.Leu253Ser; replaces leucine 253 with serine.
Molecular consequence: missense variant.
Genome position (GRCh38, 1-based): chr10:96,651,606, A>G on the plus strand (T>C on the coding strand, the complement: PIK3AP1 is on the minus strand). VCF-style: chr10-96651606-A-G. GRCh37 (hg19) VCF-style: chr10-98411363-A-G.
Other names: short protein forms L253S.
Identifiers: ClinVar variation 2793330 (VCV002793330.3), dbSNP rs2493701984, ClinGen allele CA377747396.